The following is an entry in ClinVar:

NM_152564.5(VPS13B):c.9537_9540dup (p.Val3181fs)

Gene: VPS13B (vacuolar protein sorting 13 homolog B; plus strand). Cytogenetic location: 8q22.2.
Variant type: Microsatellite.
Coding change: c.9537_9540dup on transcript NM_152564.5 (MANE Select); coding-DNA positions 9537 to 9540, 4 bases duplicated (TATA; older notation c.9537_9540dupTATA).
Protein change: p.Val3181fs; shifts the reading frame from valine 3181.
Molecular consequence: frameshift variant.
Genome position (GRCh38, 1-based): chr8:99,832,575-99,832,578, TATA duplicated. VCF-style (leftmost placement, unchanged base first): chr8-99832574-C-CTATA. GRCh37 (hg19) VCF-style: chr8-100844802-C-CTATA.
Other names: c.9612_9615dup, p.Val3206fs (NM_017890.5); short protein forms V3181fs, V3206fs.
Identifiers: ClinVar variation 1075697 (VCV001075697.7), dbSNP rs2130858335, ClinGen allele CA2580617214.

ClinVar aggregate classification (germline): Pathogenic (1 of 4 stars; one submission).

Conditions:
Cohen syndrome (COH1). Also called: PEPPER SYNDROME; Cutis verticis gyrata, retinitis pigmentosa, and sensorineural deafness. Identifiers: Orphanet 193, MedGen C0265223, MONDO:0008999, OMIM 216550.

Submission:

Labcorp Genetics (formerly Invitae), Labcorp
Classification: Pathogenic for Cohen syndrome. Last evaluated: 2020-09-19. Review status: criteria provided, single submitter. Criteria: Invitae Variant Classification Sherloc (09022015). Collection method: clinical testing. Allele origin: germline.
Comment: For these reasons, this variant has been classified as Pathogenic. Loss-of-function variants in VPS13B are known to be pathogenic (PMID: 15141358, 16648375, 20461111). This variant has not been reported in the literature in individuals with VPS13B-related conditions. This variant is not present in population databases (ExAC no frequency). This sequence change creates a premature translational stop signal (p.Val3206Tyrfs*3) in the VPS13B gene. It is expected to result in an absent or disrupted protein product.

Literature cited by the submitters: PubMed 15141358; PubMed 16648375; PubMed 20461111.